The following is an entry in ClinVar:

NM_194454.3(KRIT1):c.1959_1962dup (p.Val655Ter)

Gene: KRIT1 (KRIT1 ankyrin repeat containing; minus strand). Cytogenetic location: 7q21.2.
Variant type: Duplication.
Coding change: c.1959_1962dup on transcript NM_194454.3 (MANE Select); coding-DNA positions 1959 to 1962, 4 bases duplicated (TAAA; older notation c.1959_1962dupTAAA).
Protein change: p.Val655Ter; replaces valine 655 with a stop codon.
Molecular consequence: nonsense.
Genome position (GRCh38, 1-based): chr7:92,213,258-92,213,261, TTTA duplicated on the plus strand (TAAA on the coding strand, the reverse complement: KRIT1 is on the minus strand); duplicating any 4 consecutive bases within chr7:92,213,258-92,213,262 gives the same sequence; the c. name uses the placement nearest the transcript's 3' end. VCF-style (leftmost placement, unchanged base first): chr7-92213257-C-CTTTA. GRCh37 (hg19) VCF-style: chr7-91842571-C-CTTTA.
Other names: c.1959_1962dup, p.Val655Ter (NM_001350681.1, NM_001350682.1, NM_001350683.1 and 26 more transcripts); c.1815_1818dup, p.Val607Ter (NM_001013406.2, NM_001350669.1, NM_001350670.1); c.1245_1248dup, p.Val417Ter (NM_001350671.1); short protein forms V417*, V607*, V655*.
Identifiers: ClinVar variation 1807225 (VCV001807225.1), dbSNP rs2535704764, ClinGen allele CA2580077450.

ClinVar aggregate classification (germline): Likely pathogenic (1 of 4 stars; one submission).

Submission:

Athena Diagnostics
Classification: Likely pathogenic. Last evaluated: 2021-10-06. Review status: criteria provided, single submitter. Criteria: Athena Diagnostics Criteria. Collection method: clinical testing. Allele origin: unknown.
Comment: This variant is expected to result in the loss of a functional protein. This variant has not been reported in large, multi-ethnic general populations.